The following is an entry in ClinVar:

ClinVar aggregate classification (germline): Uncertain significance (1 of 4 stars; one submission).

Submission:

CeGaT Center for Human Genetics Tuebingen
Classification: Uncertain significance. Last evaluated: 2026-01-01. Review status: criteria provided, single submitter. Criteria: CeGaT Center For Human Genetics Tuebingen Variant Classification Criteria Version 2. Collection method: clinical testing. Allele origin: germline. Affected: yes. Observed: 2 variant alleles.
Comment: NBEA: PM2

NM_001385012.1(NBEA):c.1978A>T (p.Ser660Cys)

Gene: NBEA (neurobeachin; plus strand). Cytogenetic location: 13q13.3.
Variant type: single nucleotide variant.
Coding change: c.1978A>T on transcript NM_001385012.1 (MANE Select); coding-DNA position 1978, A replaced by T.
Protein change: p.Ser660Cys; replaces serine 660 with cysteine.
Molecular consequence: missense variant.
Genome position (GRCh38, 1-based): chr13:35,110,954, A>T. VCF-style: chr13-35110954-A-T. GRCh37 (hg19) VCF-style: chr13-35685091-A-T.
Other names: c.1978A>T, p.Ser660Cys (NM_001379245.1, NM_015678.5); short protein forms S660C.
Identifiers: ClinVar variation 1694699 (VCV001694699.31), dbSNP rs2152659253, ClinGen allele CA387831320.
Genomic context (GRCh38, chr13:35,110,954, plus strand): 5'-GTATTACAGCTAATGCACACCTTAAAATATTACTACTGGGTTATTAATCCTGCTGACAGT[A>T]GTGGCATTACACCTAAAGGATTAGGTATGTATACCACTTCCACTGTATTTACATTTGCCT-3'
Protein context (NP_001371941.1, residues 650-670): YYWVINPADS[Ser660Cys]GITPKGLDGP